The following is an entry in ClinVar:

ClinVar aggregate classification (germline): Uncertain significance. Review status: criteria provided, multiple submitters, no conflicts (2 of 4 stars). 2 submissions from 2 submitters: Uncertain significance (2). Last evaluated 2025-12-15.

Conditions:
Inborn genetic diseases. Identifiers: MedGen C0950123, MeSH D030342.

Allele frequency attached by ClinVar (database versions not stated): TOPMed below 0.00001; ExAC 0.00001; gnomAD exomes 0.00001 and 0.00002.
gnomAD v4.1: 27 of 1,608,452 alleles (0.0017%); highest among the groups gnomAD compares: East Asian, 0.0067%; no homozygotes.

Submissions (2):

Ambry Genetics
Classification: Uncertain significance for Inborn genetic diseases. Last evaluated: 2025-12-15. Review status: criteria provided, single submitter. Criteria: Ambry Variant Classification Scheme 2023. Collection method: clinical testing. Allele origin: germline.

Labcorp Genetics (formerly Invitae), Labcorp
Classification: Uncertain significance. Last evaluated: 2025-03-10. Review status: criteria provided, single submitter. Criteria: Invitae Variant Classification Sherloc (09022015). Collection method: clinical testing. Allele origin: germline.
Comment: This sequence change replaces arginine, which is basic and polar, with cysteine, which is neutral and slightly polar, at codon 753 of the DNA2 protein (p.Arg753Cys). This variant is present in population databases (rs761223121, gnomAD 0.01%). This variant has not been reported in the literature in individuals affected with DNA2-related conditions. ClinVar contains an entry for this variant (Variation ID: 1369756). Invitae Evidence Modeling of protein sequence and biophysical properties (such as structural, functional, and spatial information, amino acid conservation, physicochemical variation, residue mobility, and thermodynamic stability) indicates that this missense variant is expected to disrupt DNA2 protein function with a positive predictive value of 80%. In summary, the available evidence is currently insufficient to determine the role of this variant in disease. Therefore, it has been classified as a Variant of Uncertain Significance.

NM_001080449.3(DNA2):c.2257C>T (p.Arg753Cys)

Gene: DNA2 (DNA replication helicase/nuclease 2; minus strand). Cytogenetic location: 10q21.3.
Variant type: single nucleotide variant.
Coding change: c.2257C>T on transcript NM_001080449.3 (MANE Select); coding-DNA position 2257, C replaced by T.
Protein change: p.Arg753Cys; replaces arginine 753 with cysteine.
Molecular consequence: missense variant. On other transcripts: non-coding transcript variant (1).
Genome position (GRCh38, 1-based): chr10:68,422,842, G>A on the plus strand (C>T on the coding strand, the complement: DNA2 is on the minus strand). VCF-style: chr10-68422842-G-A. GRCh37 (hg19) VCF-style: chr10-70182599-G-A.
Other names: c.2257C>T (NM_001080449.2); short protein forms R753C.
Identifiers: ClinVar variation 1369756 (VCV001369756.7), dbSNP rs761223121, ClinGen allele CA5524861.
Genomic context (GRCh38, chr10:68,422,842, plus strand): 5'-GACAAATTGGTTGGCTAATTTGAGAGGCTTCATCCACAATACAAAAATCAAAAATTTTAC[G>A]GGAAAATATTGGATGGTTTATTCCCATACATGTTGTTGCAACTATAAGCTAAAAACAAGG-3'
Protein context (NP_001073918.2, residues 743-763): CMGINHPIFS[Arg753Cys]KIFDFCIVDE